The following is an entry in ClinVar:

NM_001242896.3(DEPDC5):c.4015C>T (p.Gln1339Ter)

Gene: DEPDC5 (DEP domain containing 5, GATOR1 subcomplex subunit; plus strand). Cytogenetic location: 22q12.3.
Variant type: single nucleotide variant.
Coding change: c.4015C>T on transcript NM_001242896.3 (MANE Select); coding-DNA position 4015, C replaced by T.
Protein change: p.Gln1339Ter; replaces glutamine 1339 with a stop codon.
Molecular consequence: nonsense. On other transcripts: non-coding transcript variant (5).
Genome position (GRCh38, 1-based): chr22:31,879,734, C>T. VCF-style: chr22-31879734-C-T. GRCh37 (hg19) VCF-style: chr22-32275720-C-T.
Other names: c.3988C>T, p.Gln1330Ter (NM_001136029.4); c.3715C>T, p.Gln1239Ter (NM_001242897.2); c.3949C>T, p.Gln1317Ter (NM_001363852.2, NM_001364320.2); c.3781C>T, p.Gln1261Ter (NM_001363854.2, NM_001364319.2); c.4015C>T, p.Gln1339Ter (NM_001364318.2); c.3931C>T, p.Gln1311Ter (NM_001369901.1, NM_001369902.1); c.3922C>T, p.Gln1308Ter (NM_001369903.1, NM_014662.6); short protein forms Q1239*, Q1261*, Q1308*, Q1311*, Q1317*, Q1330*, Q1339*.
Identifiers: ClinVar variation 1334383 (VCV001334383.3), dbSNP rs1309166815, ClinGen allele CA411282954.

ClinVar aggregate classification (germline): Likely pathogenic (1 of 4 stars; one submission).

Conditions:
Epilepsy, familial focal, with variable foci 1 (FFEVF1). Also called: DEPDC5-Related Epilepsy. Identifiers: MedGen C4551983, MONDO:0024556, OMIM 604364.

Submission:

Dasa
Classification: Likely pathogenic for Epilepsy, familial focal, with variable foci 1. Last evaluated: 2022-01-05. Review status: criteria provided, single submitter. Criteria: ACMG Guidelines, 2015. Collection method: clinical testing. Allele origin: germline. Affected: yes. Observed: 1 variant allele.
Comment: The variant creates a premature translational stop signal c.3988C>T;p.(Gln1330*) in DEPDC5 gene. It is expected to result in an absent or disrupted protein product - PVS1.This variant is not present in population databases (rs1309166815 , gnomAD; ABraOM no frequency) - PM2. In summary, the currently available evidence indicates that the variant is likely pathogenic.